The following is an entry in ClinVar:

NM_058004.4(PI4KA):c.2386del (p.Arg796fs)

Gene: PI4KA (phosphatidylinositol 4-kinase alpha; minus strand). Cytogenetic location: 22q11.21.
Variant type: Deletion.
Coding change: c.2386del on transcript NM_058004.4 (MANE Select); coding-DNA position 2386, one base deleted (C; older notation c.2386delC).
Protein change: p.Arg796fs; shifts the reading frame from arginine 796.
Molecular consequence: frameshift variant.
Genome position (GRCh38, 1-based): chr22:20,765,636, G deleted on the plus strand (C on the coding strand, the reverse complement: PI4KA is on the minus strand); the first of 2 consecutive G bases (chr22:20,765,636-20,765,637); deleting either gives the same sequence. VCF-style (leftmost placement, unchanged base first): chr22-20765635-CG-C. GRCh37 (hg19) VCF-style: chr22-21119923-CG-C.
Other names: c.2386del, p.Arg796fs (NM_001362862.2); c.2320del, p.Arg774fs (NM_001362863.2); short protein forms R774fs, R796fs.
Identifiers: ClinVar variation 870385 (VCV000870385.2), dbSNP rs1932452329, ClinGen allele CA916083783.

ClinVar aggregate classification (germline): Likely pathogenic (1 of 4 stars; one submission).

Conditions:
Polymicrogyria, perisylvian, with cerebellar hypoplasia and arthrogryposis (NEDSPLB). Identifiers: MedGen C4225295, MONDO:0014679, OMIM 616531.

Submission:

Victorian Clinical Genetics Services, Murdoch Childrens Research Institute
Classification: Likely pathogenic for Polymicrogyria, perisylvian, with cerebellar hypoplasia and arthrogryposis. Last evaluated: 2018-11-13. Review status: criteria provided, single submitter. Criteria: ACMG Guidelines, 2015. Collection method: clinical testing. Allele origin: maternal. Affected: yes. Observed: 2 variant alleles.
Comment: A heterozygous frameshift deletion variant, NM_058004.3(PI4KA):c.2386delC, has been identified in exon 20 of 55 of the PI4KA gene. This deletion is predicted to create a frameshift starting at amino acid position 796, introducing a stop codon 9 residues downstream (NP_477352.3(PI4KA):p.(Arg796Glufs*9)). This variant is predicted to result in loss of protein function through nonsense-mediated decay, which is a likely mechanism of pathogenicity for this gene. The variant is absent in the gnomAD population database and has not been previously reported in clinical cases. Four loss of function variants have been reported for this gene. Several different variants resulting in a premature termination codon have been reported as pathogenic (ClinVar, LOVD3). Based on the information available at the time of curation, this variant has been classified as LIKELY PATHOGENIC.